The following is an entry in ClinVar:

NM_001378457.1(DMXL2):c.7500C>G (p.His2500Gln)

Gene: DMXL2 (Dmx like 2; minus strand). Cytogenetic location: 15q21.2.
Variant type: single nucleotide variant.
Coding change: c.7500C>G on transcript NM_001378457.1 (MANE Select); coding-DNA position 7500, C replaced by G.
Protein change: p.His2500Gln; replaces histidine 2500 with glutamine.
Molecular consequence: missense variant. On other transcripts: non-coding transcript variant (2).
Genome position (GRCh38, 1-based): chr15:51,466,204, G>C on the plus strand (C>G on the coding strand, the complement: DMXL2 is on the minus strand). VCF-style: chr15-51466204-G-C. GRCh37 (hg19) VCF-style: chr15-51758401-G-C.
Other names: c.7500C>G, p.His2500Gln (NM_001174116.3, NM_001378459.1, NM_001378461.1 and 1 more transcripts); c.5589C>G, p.His1863Gln (NM_001174117.3); c.7497C>G, p.His2499Gln (NM_001378458.1, NM_001378462.1, NM_015263.5); c.5478C>G, p.His1826Gln (NM_001378460.1); c.7257C>G, p.His2419Gln (NM_001378464.1); short protein forms H1826Q, H2499Q, H1863Q, H2419Q, H2500Q.
Identifiers: ClinVar variation 4754505 (VCV004754505.1).

ClinVar aggregate classification (germline): Uncertain significance (1 of 4 stars; one submission).

gnomAD v4.1: 1 of 1,564,134 alleles (0.000064%); highest among the groups gnomAD compares: Admixed American, 0.0021%; no homozygotes.

Submission:

Labcorp Genetics (formerly Invitae), Labcorp
Classification: Uncertain significance. Last evaluated: 2025-11-10. Review status: criteria provided, single submitter. Criteria: Invitae Variant Classification Sherloc (09022015). Collection method: clinical testing. Allele origin: germline.
Comment: This sequence change replaces histidine, which is basic and polar, with glutamine, which is neutral and polar, at codon 2500 of the DMXL2 protein (p.His2500Gln). This variant is present in population databases (rs765432880, gnomAD 0.004%). This variant has not been reported in the literature in individuals affected with DMXL2-related conditions. An algorithm developed to predict the effect of missense changes on protein structure and function (PolyPhen-2) suggests that this variant is likely to be disruptive. In summary, the available evidence is currently insufficient to determine the role of this variant in disease. Therefore, it has been classified as a Variant of Uncertain Significance.